The following is an entry in ClinVar:

ClinVar aggregate classification (germline): Uncertain significance (1 of 4 stars; one submission).

Conditions:
Sulfite oxidase deficiency. Also called: Isolated sulfite oxidase deficiency. Identifiers: Orphanet 833, Orphanet 99731, MedGen C0268624, MONDO:0010089, OMIM 272300, HP:0003643.

Allele frequency attached by ClinVar (database versions not stated): gnomAD 0.00002; gnomAD exomes 0.00002; TOPMed 0.00003; ESP Exome Variant Server 0.00008.
gnomAD v4.1: 26 of 1,614,012 alleles (0.0016%); highest among the groups gnomAD compares: African/African-American, 0.0053%; no homozygotes.

Submission:

Labcorp Genetics (formerly Invitae), Labcorp
Classification: Uncertain significance for Sulfite oxidase deficiency. Last evaluated: 2022-07-19. Review status: criteria provided, single submitter. Criteria: Invitae Variant Classification Sherloc (09022015). Collection method: clinical testing. Allele origin: germline.
Comment: This sequence change replaces arginine, which is basic and polar, with cysteine, which is neutral and slightly polar, at codon 489 of the SUOX protein (p.Arg489Cys). This variant is not present in population databases (gnomAD no frequency). This variant has not been reported in the literature in individuals affected with SUOX-related conditions. ClinVar contains an entry for this variant (Variation ID: 1392379). Algorithms developed to predict the effect of missense changes on protein structure and function (SIFT, PolyPhen-2, Align-GVGD) all suggest that this variant is likely to be tolerated. In summary, the available evidence is currently insufficient to determine the role of this variant in disease. Therefore, it has been classified as a Variant of Uncertain Significance.

NM_001032386.2(SUOX):c.1465C>T (p.Arg489Cys)

Gene: SUOX (sulfite oxidase; plus strand). Cytogenetic location: 12q13.2.
Variant type: single nucleotide variant.
Coding change: c.1465C>T on transcript NM_001032386.2 (MANE Select); coding-DNA position 1465, C replaced by T.
Protein change: p.Arg489Cys; replaces arginine 489 with cysteine.
Molecular consequence: missense variant.
Genome position (GRCh38, 1-based): chr12:56,004,854, C>T. VCF-style: chr12-56004854-C-T. GRCh37 (hg19) VCF-style: chr12-56398638-C-T.
Other names: c.1465C>T, p.Arg489Cys (NM_000456.3, NM_001032387.2); short protein forms R489C.
Identifiers: ClinVar variation 1392379 (VCV001392379.6), dbSNP rs372831262, ClinGen allele CA237605346.